The following is an entry in ClinVar:

ClinVar aggregate classification (germline): Conflicting classifications of pathogenicity. Review status: criteria provided, conflicting classifications (1 of 4 stars). 2 submissions from 2 submitters: Likely pathogenic (1); Uncertain significance (1). Last evaluated 2023-11-17.

Conditions:
Factor V deficiency. Also called: Reduced coagulation factor V activity. Identifiers: Orphanet 326, MedGen C4317320, MONDO:0020586, HP:0003225.
Congenital factor V deficiency. Also called: PARAHEMOPHILIA; Hereditary factor V deficiency disease; LABILE FACTOR DEFICIENCY; OWREN PARAHEMOPHILIA. Identifiers: Orphanet 326, MedGen C0015499, MONDO:0009210, OMIM 227400.

Allele frequency attached by ClinVar (database versions not stated): gnomAD exomes 0.00002.
gnomAD v4.1: 28 of 1,614,154 alleles (0.0017%); highest among the groups gnomAD compares: Non-Finnish European, 0.0022%; no homozygotes.

Submissions (2):

Labcorp Genetics (formerly Invitae), Labcorp
Classification: Uncertain significance for Congenital factor V deficiency. Last evaluated: 2023-11-17. Review status: criteria provided, single submitter. Criteria: Invitae Variant Classification Sherloc (09022015). Collection method: clinical testing. Allele origin: germline.
Comment: This sequence change replaces cysteine, which is neutral and slightly polar, with glycine, which is neutral and non-polar, at codon 500 of the F5 protein (p.Cys500Gly). This variant is not present in population databases (gnomAD no frequency). This missense change has been observed in individual(s) with clinical features of factor V deficiency (PMID: 12816860, 31064749). This variant is also known as p.Cys472Gly. ClinVar contains an entry for this variant (Variation ID: 627004). Advanced modeling of protein sequence and biophysical properties (such as structural, functional, and spatial information, amino acid conservation, physicochemical variation, residue mobility, and thermodynamic stability) performed at Invitae indicates that this missense variant is expected to disrupt F5 protein function with a positive predictive value of 80%. Experimental studies have shown that this missense change affects F5 function (PMID: 12816860). In summary, the available evidence is currently insufficient to determine the role of this variant in disease. Therefore, it has been classified as a Variant of Uncertain Significance.

NIHR Bioresource Rare Diseases, University of Cambridge
Classification: Likely pathogenic for Congenital factor V deficiency. Last evaluated: 2019-02-01. Review status: criteria provided, single submitter. Criteria: ACMG Guidelines, 2015. Collection method: research. Allele origin: unknown. Affected: yes. Observed: 1 compound heterozygote. Study: ThromboGenomics.

Literature cited by the submitters: PubMed 12816860 (cited by Labcorp Genetics (formerly Invitae), Labcorp); PubMed 31064749 (cited by Labcorp Genetics (formerly Invitae), Labcorp and NIHR Bioresource Rare Diseases, University of Cambridge).

NM_000130.5(F5):c.1498T>G (p.Cys500Gly)

Gene: F5 (coagulation factor V; minus strand). Cytogenetic location: 1q24.2.
Variant type: single nucleotide variant.
Coding change: c.1498T>G on transcript NM_000130.5 (MANE Select); coding-DNA position 1498, T replaced by G.
Protein change: p.Cys500Gly; replaces cysteine 500 with glycine.
Molecular consequence: missense variant.
Genome position (GRCh38, 1-based): chr1:169,549,914, A>C on the plus strand (T>G on the coding strand, the complement: F5 is on the minus strand). VCF-style: chr1-169549914-A-C. GRCh37 (hg19) VCF-style: chr1-169519152-A-C.
Other names: short protein forms C500G.
Identifiers: ClinVar variation 627004 (VCV000627004.3), dbSNP rs1571581722, ClinGen allele CA343125006.